The following is an entry in ClinVar:

NM_001242896.3(DEPDC5):c.1159G>C (p.Ala387Pro)

Gene: DEPDC5 (DEP domain containing 5, GATOR1 subcomplex subunit; plus strand). Cytogenetic location: 22q12.3.
Variant type: single nucleotide variant.
Coding change: c.1159G>C on transcript NM_001242896.3 (MANE Select); coding-DNA position 1159, G replaced by C.
Protein change: p.Ala387Pro; replaces alanine 387 with proline.
Molecular consequence: missense variant. On other transcripts: non-coding transcript variant (5).
Genome position (GRCh38, 1-based): chr22:31,804,857, G>C. VCF-style: chr22-31804857-G-C. GRCh37 (hg19) VCF-style: chr22-32200843-G-C.
Other names: c.1159G>C, p.Ala387Pro (NM_001007188.4, NM_001136029.4, NM_001242897.2 and 7 more transcripts); c.1075G>C, p.Ala359Pro (NM_001369901.1, NM_001369902.1); short protein forms A359P, A387P.
Identifiers: ClinVar variation 1975301 (VCV001975301.5), dbSNP rs370491360, ClinGen allele CA323356087.

ClinVar aggregate classification (germline): Uncertain significance (1 of 4 stars; one submission).

Conditions:
Familial focal epilepsy with variable foci (FPEVF). Identifiers: Orphanet 98820, MedGen C1858477, MONDO:0020310.

Allele frequency attached by ClinVar (database versions not stated): gnomAD exomes below 0.00001; gnomAD 0.00001; TOPMed 0.00002; ESP Exome Variant Server 0.00008.
gnomAD v4.1: 4 of 1,613,798 alleles (0.00025%); highest among the groups gnomAD compares: African/African-American, 0.004%; no homozygotes.

Submission:

Labcorp Genetics (formerly Invitae), Labcorp
Classification: Uncertain significance for Familial focal epilepsy with variable foci. Last evaluated: 2022-06-25. Review status: criteria provided, single submitter. Criteria: Invitae Variant Classification Sherloc (09022015). Collection method: clinical testing. Allele origin: germline.
Comment: This sequence change replaces alanine, which is neutral and non-polar, with proline, which is neutral and non-polar, at codon 387 of the DEPDC5 protein (p.Ala387Pro). In summary, the available evidence is currently insufficient to determine the role of this variant in disease. Therefore, it has been classified as a Variant of Uncertain Significance. Algorithms developed to predict the effect of missense changes on protein structure and function are either unavailable or do not agree on the potential impact of this missense change (SIFT: "Tolerated"; PolyPhen-2: "Not Available"; Align-GVGD: "Class C0"). This variant has not been reported in the literature in individuals affected with DEPDC5-related conditions. This variant is present in population databases (rs370491360, gnomAD 0.007%).